The following is an entry in ClinVar:

ClinVar aggregate classification (germline): Pathogenic. Review status: reviewed by expert panel (3 of 4 stars). 2 submissions from 2 submitters: Pathogenic (1). 1 of the submissions does not count toward it. Last evaluated 2016-09-08.

Conditions:
Breast-ovarian cancer, familial, susceptibility to, 1 (BROVCA1). Also called: OVARIAN CANCER, SUSCEPTIBILITY TO; BRCA1 Hereditary Breast and Ovarian Cancer. Identifiers: Orphanet 145, MedGen C2676676, MONDO:0011450, OMIM 604370. Disease mechanism: loss of function.

Submissions (2):

Evidence-based Network for the Interpretation of Germline Mutant Alleles (ENIGMA)
Classification: Pathogenic for Breast-ovarian cancer, familial, susceptibility to, 1. Last evaluated: 2016-09-08. Review status: reviewed by expert panel. Criteria: ENIGMA BRCA1/2 Classification Criteria (2015). Collection method: curation. Allele origin: germline.
Comment: Variant allele predicted to encode a truncated non-functional protein.

Breast Cancer Information Core (BIC) (BRCA1)
Classification: Pathogenic for Breast-ovarian cancer, familial 1. Last evaluated: 2000-01-01. Review status: no assertion criteria provided. Collection method: clinical testing. Allele origin: somatic. Affected: yes. Observed: 1 variant allele. Not counted in ClinVar's aggregate classification.

NM_007294.4(BRCA1):c.32_33insC (p.Gln12fs)

Gene: BRCA1 (BRCA1 DNA repair associated; minus strand). Cytogenetic location: 17q21.31.
Variant type: Insertion.
Coding change: c.32_33insC on transcript NM_007294.4 (MANE Select); coding-DNA positions 32 to 33, C inserted.
Protein change: p.Gln12fs; shifts the reading frame from glutamine 12.
Molecular consequence: frameshift variant. On other transcripts: 5 prime UTR variant (1), non-coding transcript variant (1).
Genome position: GRCh38 VCF-style: chr17-43124064-T-TG. GRCh37 (hg19) VCF-style: chr17-41276081-T-TG.
Other names: 151insC; c.-56_-55insC (NM_001407929.1, NM_001407932.1, NM_001407936.1 and 23 more transcripts); c.-226_-225insC (NM_001407930.1, NM_001407942.1, NM_001408455.1 and 11 more transcripts); c.-229_-228insC (NM_001407933.1, NM_001407943.1, NM_001407944.1 and 22 more transcripts); c.-233_-232insC (NM_001407934.1, NM_001408497.1, NM_001407741.1); c.32_33insC, p.Gln12Thrfs (NM_001407937.1, NM_001407938.1, NM_001407939.1 and 191 more transcripts); c.-157_-156insC (NM_001407946.1, NM_001407947.1, NM_001407948.1 and 46 more transcripts); c.-276_-275insC (NM_001407954.1, NM_001408513.1, NM_001407917.1); and 10 more; short protein forms Q12fs.
Identifiers: ClinVar variation 54829 (VCV000054829.4), dbSNP rs80357811, ClinGen allele CA002093.